The following is an entry in ClinVar:

ClinVar aggregate classification (germline): Likely benign (1 of 4 stars; one submission).

gnomAD v4.1: 11,834 of 1,604,870 alleles (0.74%); highest among the groups gnomAD compares: Non-Finnish European, 0.9%; 66 homozygotes.

Submission:

CeGaT Center for Human Genetics Tuebingen
Classification: Likely benign. Last evaluated: 2026-03-01. Review status: criteria provided, single submitter. Criteria: CeGaT Center For Human Genetics Tuebingen Variant Classification Criteria Version 2. Collection method: clinical testing. Allele origin: germline. Affected: yes. Observed: 1 variant allele.
Comment: COL21A1: BP4, BP7, BS2

NM_030820.4(COL21A1):c.978C>T (p.Ser326=)

Gene: COL21A1 (collagen type XXI alpha 1 chain; minus strand). Cytogenetic location: 6p12.1.
Variant type: single nucleotide variant.
Coding change: c.978C>T on transcript NM_030820.4 (MANE Select); coding-DNA position 978, C replaced by T.
Protein change: p.Ser326=; no amino-acid change (serine 326 retained).
Molecular consequence: synonymous variant. On other transcripts: non-coding transcript variant (3).
Genome position (GRCh38, 1-based): chr6:56,170,697, G>A on the plus strand (C>T on the coding strand, the complement: COL21A1 is on the minus strand). VCF-style: chr6-56170697-G-A. GRCh37 (hg19) VCF-style: chr6-56035495-G-A.
Other names: c.978C>T, p.Ser326= (NM_001318751.2, NM_001318752.2).
Identifiers: ClinVar variation 4820755 (VCV004820755.4).
Genomic context (GRCh38, chr6:56,170,697, plus strand): 5'-AGGCATCTTTACCTTAACTTGAGGGTTAGCAAAGGTAACCACTTGTGAGCCATTAATTAC[G>A]CTGGTTGTTGTAAATAATAAGATTTTGTCCACACCATTTAAGGTAACTGCTATTTGTGGC-3'
Protein context (NP_110447.2, residues 316-336): VDKILLFTTT[Ser326=]VINGSQVVTF